The following is an entry in ClinVar:

ClinVar aggregate classification (germline): Uncertain significance. Review status: criteria provided, multiple submitters, no conflicts (2 of 4 stars). 2 submissions from 2 submitters: Uncertain significance (2). Last evaluated 2025-02-25.

Conditions:
Spinocerebellar ataxia 48. Identifiers: Orphanet 631103, MedGen C4748158, MONDO:0032526, OMIM 618093.

Submissions (2):

GeneDx
Classification: Uncertain significance. Last evaluated: 2025-02-25. Review status: criteria provided, single submitter. Criteria: GeneDx Variant Classification Process June 2021. Collection method: clinical testing. Allele origin: germline. Affected: yes.
Comment: Not observed at significant frequency in large population cohorts (gnomAD); In silico analysis supports that this missense variant has a deleterious effect on protein structure/function; Has not been previously published as pathogenic or benign to our knowledge

Baylor Genetics
Classification: Uncertain significance for Spinocerebellar ataxia 48. Last evaluated: 2024-02-21. Review status: criteria provided, single submitter. Criteria: ACMG Guidelines, 2015. Collection method: clinical testing. Allele origin: unknown.

NM_005861.4(STUB1):c.755A>G (p.Tyr252Cys)

Genes: STUB1 (STIP1 homology and U-box containing protein 1; plus strand), JMJD8 (jumonji domain containing 8; minus strand). Cytogenetic location: 16p13.3.
Variant type: single nucleotide variant.
Coding change: c.755A>G on transcript NM_005861.4 (MANE Select); coding-DNA position 755, A replaced by G.
Protein change: p.Tyr252Cys; replaces tyrosine 252 with cysteine.
Molecular consequence: missense variant. On other transcripts: 3 prime UTR variant (5), non-coding transcript variant (3).
Genome position (GRCh38, 1-based): chr16:682,250, A>G. VCF-style: chr16-682250-A-G. GRCh37 (hg19) VCF-style: chr16-732250-A-G.
Other names: c.539A>G, p.Tyr180Cys (NM_001293197.2); c.*544T>C (NM_001005920.4, NM_001323919.3, NM_001323920.3); c.*578T>C (NM_001323918.3, NM_001323922.3); short protein forms Y180C, Y252C.
Identifiers: ClinVar variation 3238772 (VCV003238772.2), dbSNP rs2543815349.
Genomic context (GRCh38, chr16:682,250, plus strand): 5'-GTGGCAAGATCAGCTTTGAGCTGATGCGGGAGCCGTGCATCACGCCCAGTGGCATCACCT[A>G]CGACCGCAAGGACATCGAGGAGCACCTGCAGGTGAGGCCTGCGGCTGGGGGAGCAGGGCC-3'
Protein context (NP_005852.2, residues 242-262): EPCITPSGIT[Tyr252Cys]DRKDIEEHLQ